The following is an entry in ClinVar:

NM_001009944.3(PKD1):c.12826C>T (p.Arg4276Trp)

Gene: PKD1 (polycystin 1, transient receptor potential channel interacting; minus strand). Cytogenetic location: 16p13.3.
Variant type: single nucleotide variant.
Coding change: c.12826C>T on transcript NM_001009944.3 (MANE Select); coding-DNA position 12826, C replaced by T.
Protein change: p.Arg4276Trp; replaces arginine 4276 with tryptophan.
Molecular consequence: missense variant.
Genome position (GRCh38, 1-based): chr16:2,089,813, G>A on the plus strand (C>T on the coding strand, the complement: PKD1 is on the minus strand). VCF-style: chr16-2089813-G-A. GRCh37 (hg19) VCF-style: chr16-2139814-G-A.
Other names: c.12823C>T, p.Arg4275Trp (NM_000296.4); short protein forms R4275W, R4276W.
Identifiers: ClinVar variation 618821 (VCV000618821.51), dbSNP rs114251396, ClinGen allele CA7828452.

ClinVar aggregate classification (germline): Benign/Likely benign. Review status: criteria provided, multiple submitters, no conflicts (2 of 4 stars). 8 submissions from 8 submitters: Benign (5); Likely benign (2). 1 of the submissions does not count toward it. Last evaluated 2026-08-01.

Conditions:
Polycystic kidney disease, adult type (PKD1). Also called: POLYCYSTIC KIDNEY DISEASE 1 WITH OR WITHOUT POLYCYSTIC LIVER DISEASE; Polycystic Kidney Disease 1, Autosomal Dominant; Polycystic kidney disease 1; Polycystic kidney disease 1, severe; POLYCYSTIC KIDNEY DISEASE, ADULT, TYPE I; Polycystic Kidney, Autosomal Dominant. Identifiers: MedGen C3149841, MONDO:0008263, OMIM 173900.
Polycystic kidney disease. Also called: Kidney, Polycystic; Polycystic kidney dysplasia. Identifiers: MedGen C0022680, MeSH D007690, MONDO:0020642, HP:0000113.

Allele frequency attached by ClinVar (database versions not stated): 1000 Genomes Project 0.00180; 1000 Genomes Project 30x 0.00187; TOPMed 0.00203; ESP Exome Variant Server 0.00229; gnomAD 0.00327 and 0.00335; gnomAD exomes 0.00373 and 0.00405; ExAC 0.00644.
gnomAD v4.1: 6,338 of 1,600,802 alleles (0.4%); highest among the groups gnomAD compares: Non-Finnish European, 0.43%; 18 homozygotes.

Submissions (8):

CeGaT Center for Human Genetics Tuebingen
Classification: Benign. Last evaluated: 2026-08-01. Review status: criteria provided, single submitter. Criteria: CeGaT Center For Human Genetics Tuebingen Variant Classification Criteria Version 2. Collection method: clinical testing. Allele origin: germline. Affected: yes. Observed: 8 variant alleles.
Comment: PKD1: BP4, BS1, BS2

Women's Health and Genetics/Laboratory Corporation of America, LabCorp
Classification: Likely benign. Last evaluated: 2025-06-18. Review status: criteria provided, single submitter. Criteria: LabCorp Variant Classification Summary - May 2015. Collection method: clinical testing. Allele origin: germline.
Comment: Variant summary: PKD1 c.12826C>T (p.Arg4276Trp) results in a non-conservative amino acid change in the encoded protein sequence. Algorithms developed to predict the effect of missense changes on protein structure and function are either unavailable or do not agree on the potential impact of this missense change. The variant allele was found at a frequency of 0.0037 in 218926 control chromosomes, predominantly at a frequency of 0.0044 within the Non-Finnish European subpopulation in the gnomAD database. The observed variant frequency within Non-Finnish European control individuals in the gnomAD database exceeds the estimated maximal expected allele frequency for a pathogenic variant in PKD1 causing PKD1-Biallelic Autosomal Recessive Polycystic Kidney Disease phenotype. To our knowledge, no occurrence of c.12826C>T in individuals affected with PKD1-Biallelic Autosomal Recessive Polycystic Kidney Disease and no experimental evidence demonstrating its impact on protein function have been reported. ClinVar contains an entry for this variant (Variation ID: 618821). Based on the evidence outlined above, the variant was classified as likely benign.

Blueprint Genetics
Classification: Benign. Last evaluated: 2024-11-19. Review status: criteria provided, single submitter. Criteria: ACMG Guidelines, 2015. Collection method: clinical testing. Allele origin: germline.

Athena Diagnostics
Classification: Benign. Last evaluated: 2024-07-30. Review status: criteria provided, single submitter. Criteria: Athena Diagnostics Criteria. Collection method: clinical testing. Allele origin: unknown.

Mendelics
Classification: Benign for Polycystic kidney disease, adult type. Last evaluated: 2023-08-22. Review status: criteria provided, single submitter. Criteria: Mendelics Assertion Criteria 2019. Collection method: clinical testing. Allele origin: germline.

GeneDx
Classification: Benign. Last evaluated: 2020-10-02. Review status: criteria provided, single submitter. Criteria: GeneDx Variant Classification Process June 2021. Collection method: clinical testing. Allele origin: germline. Affected: yes.
Comment: This variant is associated with the following publications: (PMID: 32398770, 30816285, 17582161, 22383692, 22008521, 10200984, 20981092, 23431072, 22995991, 22508176)

ARUP Laboratories, Molecular Genetics and Genomics, ARUP Laboratories
Classification: Likely benign for Polycystic kidney disease, adult type. Last evaluated: 2019-04-06. Review status: criteria provided, single submitter. Criteria: ARUP Molecular Germline Variant Investigation Process. Collection method: clinical testing. Allele origin: germline.

Department of Pathology and Laboratory Medicine, Sinai Health System
Classification: Likely benign for Polycystic Kidney disease. Review status: no assertion criteria provided. Collection method: clinical testing. Allele origin: unknown. Affected: yes. Observed: 4 variant alleles. Study: The Canadian Open Genetics Repository (COGR). Not counted in ClinVar's aggregate classification.
Comment: The PKD1 p.Arg4276Trp variant was identified in 12 of 3064 proband chromosomes (frequency: 0.004) from French, Italian, Spanish, and North American individuals or families with ADPKD (with or without family history), and was not identified in 459 control chromosomes from healthy individuals (AudrâˆšÂ©zet 2012, Carrera 2016, Rossetti 2012, Bataille 2011, Badenas 1999). The variant was found to co-occur with several PKD1 pathogenic/indeterminate variants (PKD1: p.Leu56Argfs*15, IVS37-10C3A/S3673fsX3674, Asp3781_Val3782insGlu, PKD2: R878del) and or multiple variants (PKD1 A4091A-G, V4058, V4044, and L4136L-T, Rossetti 2007, Carrera 2016, Bataille 2011, Badenas 1999). Ball et al (2012) used a public software tool for genome interpretation and a public database of variant interpretations, to review 10 presumed healthy genomes, the variant was identified in one participant and classified as uncertain significance. The variant was also identified in dbSNP (ID: rs114251396) as â€šÃ„ÃºNAâ€šÃ„Ã¹, the ADPKD Mutation Database (classification indeterminate), and PKD1-LOVD 3.0 (classification possibly damaging), the 1000 Genomes Project in 9 of 5000 chromosomes (frequency: 0.002), the NHLBI GO Exome Sequencing Project in 28 of 8154 European American alleles (frequency: 0.003), and in the Exome Aggregation Consortium database (August 8, 2016) in 378 (2 homozygous) of 58652 chromosomes (frequency: 0.0064) in the following populations: Finnish in 65 of 1942 chromosomes (frequency: 0.03), European (Non-Finnish) in 282 of 32154 chromosomes (frequency: 0.009), Other in 2 of 392 chromosomes (frequency: 0.005), Latino in 9 of 3938 chromosomes (frequency: 0.002), South Asian in 16 of 11214 chromosomes (frequency: 0.001), and African in 4 of 4308 chromosomes (frequency: 0.0009); but was not seen in the East Asian population. The p.Arg4276 residue is conserved across mammals and other organisms, and four out of five computational analyses (PolyPhen-2, SIFT, AlignGVGD, BLOSUM, MutationTaster) suggest that the Trp variant may impact the protein; however, this information is not predictive enough to assume pathogenicity. The variant occurs outside of the splicing consensus sequence and 1 of five in silico or computational prediction software programs (SpliceSiteFinder, MaxEntScan, NNSPLICE, GeneSplicer, HumanSpliceFinder) predict a greater than 10% difference in splicing; this is not very predictive of pathogenicity. In summary, based on the above information, the clinical significance of this variant cannot be determined with certainty at this time although we would lean towards a more benign role for this variant. This variant is classified as likely benign.

Literature cited by the submitters: PubMed 10200984 (cited by Athena Diagnostics); PubMed 17582161 (cited by Athena Diagnostics); PubMed 20981092 (cited by Athena Diagnostics); PubMed 22995991 (cited by Athena Diagnostics).